The following is an entry in ClinVar:

ClinVar aggregate classification (germline): Uncertain significance (1 of 4 stars; one submission).

Conditions:
DRP2-related disorder. Also called: DRP2-related condition.

Submission:

PreventionGenetics, part of Exact Sciences
Classification: Uncertain significance for DRP2-related condition. Last evaluated: 2026-04-09. Review status: criteria provided, single submitter. Criteria: ACMG Guidelines, 2015. Collection method: clinical testing. Allele origin: germline.
Comment: The DRP2 c.1210C>T variant is predicted to result in the amino acid substitution p.Arg404Cys. To our knowledge, this variant has not been reported in the literature. This variant is reported in 0.015% of alleles in individuals of East Asian descent in gnomAD. At this time, the clinical significance of this variant is uncertain due to the absence of conclusive functional and genetic evidence.

NM_001939.3(DRP2):c.1210C>T (p.Arg404Cys)

Gene: DRP2 (dystrophin related protein 2; plus strand). Cytogenetic location: Xq22.1.
Variant type: single nucleotide variant.
Coding change: c.1210C>T on transcript NM_001939.3 (MANE Select); coding-DNA position 1210, C replaced by T.
Protein change: p.Arg404Cys; replaces arginine 404 with cysteine.
Molecular consequence: missense variant.
Genome position (GRCh38, 1-based): chrX:101,247,122, C>T. VCF-style: chrX-101247122-C-T. GRCh37 (hg19) VCF-style: chrX-100502111-C-T.
Other names: c.976C>T, p.Arg326Cys (NM_001171184.2); short protein forms R326C, R404C.
Identifiers: ClinVar variation 5001578 (VCV005001578.1).